The following is an entry in ClinVar:

ClinVar aggregate classification (germline): Likely benign. Review status: criteria provided, multiple submitters, no conflicts (2 of 4 stars). 2 submissions from 2 submitters: Likely benign (2). Last evaluated 2024-11-22.

Allele frequency attached by ClinVar (database versions not stated): ESP Exome Variant Server 0.00008; gnomAD exomes 0.00061; TOPMed 0.00071; gnomAD 0.00080; ExAC 0.00127; 1000 Genomes Project 30x 0.00187; 1000 Genomes Project 0.00240.
gnomAD v4.1: 1,005 of 1,614,112 alleles (0.062%); highest among the groups gnomAD compares: East Asian, 1.2%; 5 homozygotes.

Submissions (2):

Blueprint Genetics
Classification: Likely benign. Last evaluated: 2024-11-22. Review status: criteria provided, single submitter. Criteria: ACMG Guidelines, 2015. Collection method: clinical testing. Allele origin: germline.

CeGaT Center for Human Genetics Tuebingen
Classification: Likely benign. Last evaluated: 2024-07-01. Review status: criteria provided, single submitter. Criteria: CeGaT Center For Human Genetics Tuebingen Variant Classification Criteria Version 2. Collection method: clinical testing. Allele origin: germline. Affected: yes. Observed: 4 variant alleles.
Comment: SETD1A: BP4, BP7, BS1

NM_014712.3(SETD1A):c.717C>T (p.Asn239=)

Gene: SETD1A (SET domain containing 1A, histone lysine methyltransferase; plus strand). Cytogenetic location: 16p11.2.
Variant type: single nucleotide variant.
Coding change: c.717C>T on transcript NM_014712.3 (MANE Select); coding-DNA position 717, C replaced by T.
Protein change: p.Asn239=; no amino-acid change (asparagine 239 retained).
Molecular consequence: synonymous variant.
Genome position (GRCh38, 1-based): chr16:30,964,171, C>T. VCF-style: chr16-30964171-C-T. GRCh37 (hg19) VCF-style: chr16-30975492-C-T.
Identifiers: ClinVar variation 2646422 (VCV002646422.25), dbSNP rs200912501, ClinGen allele CA8016475.